The following is an entry in ClinVar:

ClinVar aggregate classification (germline): Uncertain significance (1 of 4 stars; one submission).

Conditions:
Hereditary cancer-predisposing syndrome. Also called: Tumor predisposition; Neoplastic Syndromes, Hereditary; Hereditary neoplastic syndrome; Hereditary Cancer Syndrome. Identifiers: Orphanet 140162, MedGen C0027672, MeSH D009386, MONDO:0015356.

Submission:

Ambry Genetics
Classification: Uncertain significance for Hereditary cancer-predisposing syndrome. Last evaluated: 2025-08-27. Review status: criteria provided, single submitter. Criteria: Ambry Variant Classification Scheme 2023. Collection method: clinical testing. Allele origin: germline.
Comment: The p.E34A variant (also known as c.101A>C), located in coding exon 2 of the MUTYH gene, results from an A to C substitution at nucleotide position 101. The glutamic acid at codon 34 is replaced by alanine, an amino acid with dissimilar properties. This amino acid position is conserved. In addition, this alteration is predicted to be tolerated by in silico analysis. Based on the available evidence, the clinical significance of this variant remains unclear.

NM_001048174.2(MUTYH):c.59A>C (p.Glu20Ala)

Gene: MUTYH (mutY DNA glycosylase; minus strand). Cytogenetic location: 1p34.1.
Variant type: single nucleotide variant.
Coding change: c.59A>C on transcript NM_001048174.2 (MANE Select); coding-DNA position 59, A replaced by C.
Protein change: p.Glu20Ala; replaces glutamic acid 20 with alanine.
Molecular consequence: missense variant. On other transcripts: 5 prime UTR variant (7), non-coding transcript variant (7).
Genome position (GRCh38, 1-based): chr1:45,334,447, T>G on the plus strand (A>C on the coding strand, the complement: MUTYH is on the minus strand). VCF-style: chr1-45334447-T-G. GRCh37 (hg19) VCF-style: chr1-45800119-T-G.
Other names: c.59A>C, p.Glu20Ala (NM_001048171.2, NM_001048172.2, NM_001048173.2 and 15 more transcripts); c.101A>C, p.Glu34Ala (NM_001128425.2, NM_001293190.2, NM_001407069.1 and 2 more transcripts); c.-154A>C (NM_001293192.2, NM_001293196.2, NM_001407091.1); c.-213A>C (NM_001350650.2); c.-149A>C (NM_001350651.2, NM_001407082.1); c.-98A>C (NM_001407075.1); c.77A>C, p.Glu26Ala (NM_001407087.1); short protein forms E34A, E20A, E26A.
Identifiers: ClinVar variation 4112928 (VCV004112928.1).